The following is an entry in ClinVar:

ClinVar aggregate classification (germline): Uncertain significance (1 of 4 stars; one submission).

Conditions:
Hereditary sensory and autonomic neuropathy type 6. Also called: HSAN VI; Neuropathy, hereditary sensory and autonomic, type VI. Identifiers: Orphanet 314381, MedGen C3539003, MONDO:0013839, OMIM 614653.
Epidermolysis bullosa simplex 3, localized or generalized intermediate, with BP230 deficiency (EBS3). Also called: Epidermolysis bullosa simplex due to BP230 deficiency; Epidermolysis bullosa simplex, autosomal recessive 2. Identifiers: Orphanet 412181, MedGen C3809470, MONDO:0014180, OMIM 615425.

Allele frequency attached by ClinVar (database versions not stated): gnomAD exomes below 0.00001; TOPMed 0.00004.
gnomAD v4.1: 4 of 1,565,204 alleles (0.00026%); highest among the groups gnomAD compares: African/African-American, 0.0041%; no homozygotes.

Submission:

Labcorp Genetics (formerly Invitae), Labcorp
Classification: Uncertain significance for Epidermolysis bullosa simplex 3, localized or generalized intermediate, with BP230 deficiency; Hereditary sensory and autonomic neuropathy type 6. Last evaluated: 2020-07-03. Review status: criteria provided, single submitter. Criteria: Invitae Variant Classification Sherloc (09022015). Collection method: clinical testing. Allele origin: germline.
Comment: Experimental studies and prediction algorithms are not available or were not evaluated, and the functional significance of this variant is currently unknown. In summary, the available evidence is currently insufficient to determine the role of this variant in disease. Therefore, it has been classified as a Variant of Uncertain Significance. This variant has not been reported in the literature in individuals with DST-related conditions. This variant is not present in population databases (ExAC no frequency). This sequence change replaces valine with methionine at codon 1192 of the DST protein (p.Val1192Met). The valine residue is moderately conserved and there is a small physicochemical difference between the two amino acids. The DST gene has multiple clinically relevant transcripts. This variant occurs in alternate transcript NM_015548.4, and corresponds to NM_001723.5:c.*4992G>A in the primary transcript.

NM_001374736.1(DST):c.5185G>A (p.Val1729Met)

Gene: DST (dystonin; minus strand). Cytogenetic location: 6p12.1.
Variant type: single nucleotide variant.
Coding change: c.5185G>A on transcript NM_001374736.1 (MANE Select); coding-DNA position 5185, G replaced by A.
Protein change: p.Val1729Met; replaces valine 1729 with methionine.
Molecular consequence: missense variant.
Genome position (GRCh38, 1-based): chr6:56,610,525, C>T on the plus strand (G>A on the coding strand, the complement: DST is on the minus strand). VCF-style: chr6-56610525-C-T. GRCh37 (hg19) VCF-style: chr6-56475323-C-T.
Other names: c.5086G>A, p.Val1696Met (NM_001144769.5); c.4672G>A, p.Val1558Met (NM_001144770.2); c.5185G>A, p.Val1729Met (NM_001374722.1); c.4552G>A, p.Val1518Met (NM_001374729.1, NM_001374730.1, NM_001386100.1 and 1 more transcripts); c.5212G>A, p.Val1738Met (NM_001374734.1); c.3574G>A, p.Val1192Met (NM_015548.5); short protein forms V1192M, V1518M, V1558M, V1696M, V1729M, V1738M.
Identifiers: ClinVar variation 1005161 (VCV001005161.7), dbSNP rs1236005807, ClinGen allele CA364561267.